The following is an entry in ClinVar:

ClinVar aggregate classification (germline): Uncertain significance (1 of 4 stars; one submission).

Conditions:
Cardiovascular phenotype. Identifiers: MedGen CN230736.

gnomAD v4.1: 1 of 1,548,384 alleles (0.000065%); highest among the groups gnomAD compares: Non-Finnish European, 0.000087%; no homozygotes.

Submission:

Ambry Genetics
Classification: Uncertain significance for Cardiovascular phenotype. Last evaluated: 2023-06-28. Review status: criteria provided, single submitter. Criteria: Ambry Variant Classification Scheme 2023. Collection method: clinical testing. Allele origin: germline.
Comment: The p.A40P variant (also known as c.118G>C), located in coding exon 1 of the LCAT gene, results from a G to C substitution at nucleotide position 118. The alanine at codon 40 is replaced by proline, an amino acid with highly similar properties. This amino acid position is conserved. In addition, the in silico prediction for this alteration is inconclusive. Since supporting evidence is limited at this time, the clinical significance of this alteration remains unclear.

NM_000229.2(LCAT):c.118G>C (p.Ala40Pro)

Genes: LCAT (lecithin-cholesterol acyltransferase; minus strand), SLC12A4 (solute carrier family 12 member 4; minus strand). Cytogenetic location: 16q22.1.
Variant type: single nucleotide variant.
Coding change: c.118G>C on transcript NM_000229.2 (MANE Select); coding-DNA position 118, G replaced by C.
Protein change: p.Ala40Pro; replaces alanine 40 with proline.
Molecular consequence: missense variant. On other transcripts: 3 prime UTR variant (5).
Genome position (GRCh38, 1-based): chr16:67,943,984, C>G on the plus strand (G>C on the coding strand, the complement: LCAT is on the minus strand). VCF-style: chr16-67943984-C-G. GRCh37 (hg19) VCF-style: chr16-67977887-C-G.
Other names: c.*856G>C (NM_001145961.2, NM_001145962.1, NM_001145963.2 and 2 more transcripts); short protein forms A40P.
Identifiers: ClinVar variation 2587101 (VCV002587101.2), dbSNP rs2544410688, ClinGen allele CA396382618.
Genomic context (GRCh38, chr16:67,943,984, plus strand): 5'-ATCAGGGGCCTGGTGGGGGCTTACCGAGGATGACGGGCCGTGTGTGGTTACTGAGCTCAG[C>G]CTTGGGCGTGGTGTGCGGGGGGAAGAGCACATTGAGGAGCCAGAAGGGGGCGGCAGGAGG-3'
Protein context (NP_000220.1, residues 30-50): VLFPPHTTPK[Ala40Pro]ELSNHTRPVI